The following is an entry in ClinVar:

NM_002691.4(POLD1):c.971G>T (p.Gly324Val)

Gene: POLD1 (DNA polymerase delta 1, catalytic subunit; plus strand). Cytogenetic location: 19q13.33.
Variant type: single nucleotide variant.
Coding change: c.971G>T on transcript NM_002691.4 (MANE Select); coding-DNA position 971, G replaced by T.
Protein change: p.Gly324Val; replaces glycine 324 with valine.
Molecular consequence: missense variant. On other transcripts: non-coding transcript variant (1).
Genome position (GRCh38, 1-based): chr19:50,403,053, G>T. VCF-style: chr19-50403053-G-T. GRCh37 (hg19) VCF-style: chr19-50906310-G-T.
Other names: c.971G>T, p.Gly324Val (NM_001256849.1, NM_001308632.1); short protein forms G324V.
Identifiers: ClinVar variation 1767976 (VCV001767976.6), dbSNP rs1388338405, ClinGen allele CA406977663.

ClinVar aggregate classification (germline): Uncertain significance. Review status: criteria provided, multiple submitters, no conflicts (2 of 4 stars). 2 submissions from 2 submitters: Uncertain significance (2). Last evaluated 2023-11-19.

Conditions:
Hereditary cancer-predisposing syndrome. Also called: Neoplastic Syndromes, Hereditary; Tumor predisposition; Hereditary neoplastic syndrome; Hereditary Cancer Syndrome. Identifiers: Orphanet 140162, MedGen C0027672, MeSH D009386, MONDO:0015356.
POLD1-related polyposis and colorectal cancer syndrome (CRCS10). Also called: COLORECTAL CANCER, SUSCEPTIBILITY TO, ON CHROMOSOME 19q; Colorectal cancer 10; Colorectal cancer, susceptibility to, 10. Identifiers: Orphanet 220460, MedGen C2675481, MONDO:0012953, OMIM 612591.

Submissions (2):

Labcorp Genetics (formerly Invitae), Labcorp
Classification: Uncertain significance for POLD1-related polyposis and colorectal cancer syndrome. Last evaluated: 2023-11-19. Review status: criteria provided, single submitter. Criteria: Invitae Variant Classification Sherloc (09022015). Collection method: clinical testing. Allele origin: germline.
Comment: This sequence change replaces glycine, which is neutral and non-polar, with valine, which is neutral and non-polar, at codon 324 of the POLD1 protein (p.Gly324Val). This variant is not present in population databases (gnomAD no frequency). This variant has not been reported in the literature in individuals affected with POLD1-related conditions. ClinVar contains an entry for this variant (Variation ID: 1767976). An algorithm developed to predict the effect of missense changes on protein structure and function (PolyPhen-2) suggests that this variant is likely to be disruptive. Algorithms developed to predict the effect of sequence changes on RNA splicing suggest that this variant may disrupt the consensus splice site. In summary, the available evidence is currently insufficient to determine the role of this variant in disease. Therefore, it has been classified as a Variant of Uncertain Significance.

Ambry Genetics
Classification: Uncertain significance for Hereditary cancer-predisposing syndrome. Last evaluated: 2023-02-16. Review status: criteria provided, single submitter. Criteria: Ambry Variant Classification Scheme 2023. Collection method: clinical testing. Allele origin: germline.
Comment: The p.G324V variant (also known as c.971G>T) is located in coding exon 8 of the POLD1 gene. The glycine at codon 324 is replaced by valine, an amino acid with dissimilar properties. This change occurs in the first base pair of coding exon 8. This amino acid position is highly conserved in available vertebrate species. In addition, the in silico prediction for this alteration is inconclusive. Since supporting evidence is limited at this time, the clinical significance of this alteration remains unclear.